The following is an entry in ClinVar:

ClinVar aggregate classification (germline): Conflicting classifications of pathogenicity. Review status: criteria provided, conflicting classifications (1 of 4 stars). 3 submissions from 3 submitters: Uncertain significance (2); Likely benign (1). Last evaluated 2024-10-15.

Conditions:
Hereditary sensory and autonomic neuropathy type 7. Also called: Neuropathy, hereditary sensory and autonomic, type VII; HSAN VII. Identifiers: Orphanet 391397, MedGen C3809882, MONDO:0014244, OMIM 615548.
Familial episodic pain syndrome with predominantly lower limb involvement. Also called: Episodic pain syndrome, familial, 3. Identifiers: Orphanet 391384, Orphanet 391392, MedGen C3809899, MONDO:0014247, OMIM 615552.

Allele frequency attached by ClinVar (database versions not stated): gnomAD exomes 0.00002 and 0.00005; TOPMed 0.00003; gnomAD 0.00004; ExAC 0.00007; ESP Exome Variant Server 0.00015.
gnomAD v4.1: 28 of 1,613,880 alleles (0.0017%); highest among the groups gnomAD compares: Admixed American, 0.0067%; no homozygotes.

Submissions (3):

Labcorp Genetics (formerly Invitae), Labcorp
Classification: Uncertain significance for Familial episodic pain syndrome with predominantly lower limb involvement; Hereditary sensory and autonomic neuropathy type 7. Last evaluated: 2024-10-15. Review status: criteria provided, single submitter. Criteria: Invitae Variant Classification Sherloc (09022015). Collection method: clinical testing. Allele origin: germline.
Comment: This sequence change replaces arginine, which is basic and polar, with glutamine, which is neutral and polar, at codon 1046 of the SCN11A protein (p.Arg1046Gln). This variant is present in population databases (rs147061364, gnomAD 0.02%). This variant has not been reported in the literature in individuals affected with SCN11A-related conditions. ClinVar contains an entry for this variant (Variation ID: 664871). Invitae Evidence Modeling of protein sequence and biophysical properties (such as structural, functional, and spatial information, amino acid conservation, physicochemical variation, residue mobility, and thermodynamic stability) indicates that this missense variant is expected to disrupt SCN11A protein function with a positive predictive value of 80%. In summary, the available evidence is currently insufficient to determine the role of this variant in disease. Therefore, it has been classified as a Variant of Uncertain Significance.

Women's Health and Genetics/Laboratory Corporation of America, LabCorp
Classification: Likely benign. Last evaluated: 2024-10-08. Review status: criteria provided, single submitter. Criteria: LabCorp Variant Classification Summary - May 2015. Collection method: clinical testing. Allele origin: germline.
Comment: Variant summary: SCN11A c.3137G>A (p.Arg1046Gln) results in a conservative amino acid change located in the Sodium ion transport-associated domain (IPR010526) of the encoded protein sequence. Four of five in-silico tools predict a damaging effect of the variant on protein function. The variant allele was found at a frequency of 5.2e-05 in 251228 control chromosomes. The observed variant frequency is approximately 51 fold of the estimated maximal expected allele frequency for a pathogenic variant in SCN11A causing Familial episodic pain syndrome with predominantly lower limb involvement phenotype (1e-06). To our knowledge, no occurrence of c.3137G>A in individuals affected with Familial episodic pain syndrome with predominantly lower limb involvement and no experimental evidence demonstrating its impact on protein function have been reported. ClinVar contains an entry for this variant (Variation ID: 664871). Based on the evidence outlined above, the variant was classified as likely benign.

GeneDx
Classification: Uncertain significance. Last evaluated: 2022-09-12. Review status: criteria provided, single submitter. Criteria: GeneDx Variant Classification Process June 2021. Collection method: clinical testing. Allele origin: germline. Affected: yes.
Comment: In silico analysis supports that this missense variant has a deleterious effect on protein structure/function; Has not been previously published as pathogenic or benign variant in association with an SCN11A-related disorder to our knowledge; This variant is associated with the following publications: (PMID: 27149842, 29273096)

NM_001349253.2(SCN11A):c.3137G>A (p.Arg1046Gln)

Gene: SCN11A (sodium voltage-gated channel alpha subunit 11; minus strand). Cytogenetic location: 3p22.2.
Variant type: single nucleotide variant.
Coding change: c.3137G>A on transcript NM_001349253.2 (MANE Select); coding-DNA position 3137, G replaced by A.
Protein change: p.Arg1046Gln; replaces arginine 1046 with glutamine.
Molecular consequence: missense variant.
Genome position (GRCh38, 1-based): chr3:38,883,315, C>T on the plus strand (G>A on the coding strand, the complement: SCN11A is on the minus strand). VCF-style: chr3-38883315-C-T. GRCh37 (hg19) VCF-style: chr3-38924806-C-T.
Other names: c.3137G>A, p.Arg1046Gln (NM_014139.3); short protein forms R1046Q.
Identifiers: ClinVar variation 664871 (VCV000664871.7), dbSNP rs147061364, ClinGen allele CA2321863.